The following is an entry in ClinVar:

NM_001025356.3(ANO6):c.416T>C (p.Ile139Thr)

Gene: ANO6 (anoctamin 6; plus strand). Cytogenetic location: 12q12.
Variant type: single nucleotide variant.
Coding change: c.416T>C on transcript NM_001025356.3 (MANE Select); coding-DNA position 416, T replaced by C.
Protein change: p.Ile139Thr; replaces isoleucine 139 with threonine.
Molecular consequence: missense variant.
Genome position (GRCh38, 1-based): chr12:45,348,098, T>C. VCF-style: chr12-45348098-T-C. GRCh37 (hg19) VCF-style: chr12-45741881-T-C.
Other names: c.362T>C, p.Ile121Thr (NM_001142678.2); c.416T>C, p.Ile139Thr (NM_001142679.2); c.479T>C, p.Ile160Thr (NM_001204803.2); c.383T>C, p.Ile128Thr (NM_001410973.1); short protein forms I128T, I139T, I160T, I121T.
Identifiers: ClinVar variation 2545051 (VCV002545051.5), dbSNP rs201883819, ClinGen allele CA6524998.

ClinVar aggregate classification (germline): Uncertain significance. Review status: criteria provided, multiple submitters, no conflicts (2 of 4 stars). 3 submissions from 3 submitters: Uncertain significance (3). Last evaluated 2026-09-15.

Conditions:
ANO6-related disorder. Also called: ANO6-related condition.
Inborn genetic diseases. Identifiers: MedGen C0950123, MeSH D030342.

Allele frequency attached by ClinVar (database versions not stated): gnomAD 0.00013; TOPMed 0.00014; ESP Exome Variant Server 0.00015; ExAC 0.00017; gnomAD exomes 0.00018.
gnomAD v4.1: 274 of 1,613,966 alleles (0.017%); highest among the groups gnomAD compares: Non-Finnish European, 0.023%; no homozygotes.

Submissions (3):

PreventionGenetics, part of Exact Sciences
Classification: Uncertain significance for ANO6-related condition. Last evaluated: 2026-09-15. Review status: criteria provided, single submitter. Criteria: ACMG Guidelines, 2015. Collection method: clinical testing. Allele origin: germline.
Comment: The ANO6 c.416T>C variant is predicted to result in the amino acid substitution p.Ile139Thr. To our knowledge, this variant has not been reported in the literature. This variant is reported in 0.031% of alleles in individuals of European (Non-Finnish) descent in gnomAD. At this time, the clinical significance of this variant is uncertain due to the absence of conclusive functional and genetic evidence.

Ambry Genetics
Classification: Uncertain significance for Inborn genetic diseases. Last evaluated: 2025-06-29. Review status: criteria provided, single submitter. Criteria: Ambry Variant Classification Scheme 2023. Collection method: clinical testing. Allele origin: germline.

Labcorp Genetics (formerly Invitae), Labcorp
Classification: Uncertain significance. Last evaluated: 2023-02-23. Review status: criteria provided, single submitter. Criteria: Invitae Variant Classification Sherloc (09022015). Collection method: clinical testing. Allele origin: germline.
Comment: This sequence change replaces isoleucine, which is neutral and non-polar, with threonine, which is neutral and polar, at codon 139 of the ANO6 protein (p.Ile139Thr). This variant is present in population databases (rs201883819, gnomAD 0.03%). This variant has not been reported in the literature in individuals affected with ANO6-related conditions. Advanced modeling of protein sequence and biophysical properties (such as structural, functional, and spatial information, amino acid conservation, physicochemical variation, residue mobility, and thermodynamic stability) performed at Invitae indicates that this missense variant is not expected to disrupt ANO6 protein function. In summary, the available evidence is currently insufficient to determine the role of this variant in disease. Therefore, it has been classified as a Variant of Uncertain Significance.